The following is an entry in ClinVar:

ClinVar aggregate classification (germline): Uncertain significance (1 of 4 stars; one submission).

Conditions:
Familial adenomatous polyposis 2. Also called: MUTYH-associated polyposis; MUTYH-related attenuated familial adenomatous polyposis; COLORECTAL ADENOMATOUS POLYPOSIS, AUTOSOMAL RECESSIVE; ADENOMAS, MULTIPLE COLORECTAL, AUTOSOMAL RECESSIVE; MUTYH Polyposis; MYH-associated polyposis. Identifiers: Orphanet 220460, Orphanet 247798, MedGen C3272841, MONDO:0012041, OMIM 608456.

Submission:

Labcorp Genetics (formerly Invitae), Labcorp
Classification: Uncertain significance for Familial adenomatous polyposis 2. Last evaluated: 2022-07-14. Review status: criteria provided, single submitter. Criteria: Invitae Variant Classification Sherloc (09022015). Collection method: clinical testing. Allele origin: germline.
Comment: This sequence change falls in intron 1 of the MUTYH gene. It does not directly change the encoded amino acid sequence of the MUTYH protein. It affects a nucleotide within the consensus splice site. This variant is not present in population databases (gnomAD no frequency). This variant has not been reported in the literature in individuals affected with MUTYH-related conditions. Variants that disrupt the consensus splice site are a relatively common cause of aberrant splicing (PMID: 17576681, 9536098). Algorithms developed to predict the effect of sequence changes on RNA splicing suggest that this variant may disrupt the consensus splice site. In summary, the available evidence is currently insufficient to determine the role of this variant in disease. Therefore, it has been classified as a Variant of Uncertain Significance.

Literature cited by the submitters: PubMed 17576681; PubMed 9536098.

NM_001128425.2(MUTYH):c.36+5G>C

Genes: MUTYH (mutY DNA glycosylase; minus strand), TOE1 (target of EGR1, exonuclease; plus strand). Cytogenetic location: 1p34.1.
Variant type: single nucleotide variant.
Coding change: c.36+5G>C on transcript NM_001128425.2 (MANE Plus Clinical); 5 bases into the intron after coding-DNA position 36, G replaced by C.
Molecular consequence: intron variant. On other transcripts: 5 prime UTR variant (3).
Genome position (GRCh38, 1-based): chr1:45,340,214, C>G on the plus strand (G>C on the coding strand, the complement: MUTYH is on the minus strand). VCF-style: chr1-45340214-C-G. GRCh37 (hg19) VCF-style: chr1-45805886-C-G.
Other names: c.-39C>G (NM_025077.4); c.-18G>C (NM_001407070.1, NM_001407071.1); c.-7+9G>C (NM_001407072.1); c.-214+5G>C (NM_001350651.2); c.-219+5G>C (NM_001293192.2); c.-278+5G>C (NM_001350650.2); c.36+5G>C (NM_001407073.1, NM_001293190.2, NM_001407069.1 and 1 more transcripts); c.-7+5G>C (NM_001048171.2).
Identifiers: ClinVar variation 2017177 (VCV002017177.4), dbSNP rs876658588, ClinGen allele CA2580062952.